The following is an entry in ClinVar:

NM_003660.4(PPFIA3):c.2332C>T (p.Arg778Ter)

Gene: PPFIA3 (PPFI scaffold protein A3; plus strand). Cytogenetic location: 19q13.33.
Variant type: single nucleotide variant.
Coding change: c.2332C>T on transcript NM_003660.4 (MANE Select); coding-DNA position 2332, C replaced by T.
Protein change: p.Arg778Ter; replaces arginine 778 with a stop codon.
Molecular consequence: nonsense. On other transcripts: non-coding transcript variant (1).
Genome position (GRCh38, 1-based): chr19:49,140,052, C>T. VCF-style: chr19-49140052-C-T. GRCh37 (hg19) VCF-style: chr19-49643309-C-T.
Other names: short protein forms R778*.
Identifiers: ClinVar variation 3572563 (VCV003572563.3).

ClinVar aggregate classification (germline): Pathogenic. Review status: criteria provided, multiple submitters, no conflicts (2 of 4 stars). 2 submissions from 2 submitters: Pathogenic (2). Last evaluated 2025-07-22.

Conditions:
PAUL-CHAO NEURODEVELOPMENTAL SYNDROME (NEDPACH). Also called: INTELLECTUAL DEVELOPMENTAL DISORDER WITH IMPAIRED SPEECH, DYSMORPHIC FACIES, AND BEHAVIORAL ABNORMALITIES. Identifiers: MedGen C6012758, OMIM 621122.

Submissions (2):

3billion
Classification: Pathogenic for PAUL-CHAO NEURODEVELOPMENTAL SYNDROME. Last evaluated: 2025-07-22. Review status: criteria provided, single submitter. Criteria: ACMG Guidelines, 2015. Collection method: clinical testing. Allele origin: germline. Affected: yes.
Comment: The variant is not observed in the gnomAD v4.1.0 dataset. Predicted Consequence/Location: Stop-gained (nonsense): predicted to result in a loss or disruption of normal protein function through nonsense-mediated decay (NMD) or protein truncation. Multiple pathogenic variants are reported downstream of the variant. The variant has been reported to be associated with PPFIA3-related disorder (3billion dataset). Therefore, this variant is classified as Pathogenic according to the recommendation of ACMG/AMP guideline.

GeneDx
Classification: Pathogenic. Last evaluated: 2024-07-01. Review status: criteria provided, single submitter. Criteria: GeneDx Variant Classification Process June 2021. Collection method: clinical testing. Allele origin: germline. Affected: yes.
Comment: Nonsense variant predicted to result in protein truncation or nonsense mediated decay in a gene for which loss of function is a known mechanism of disease; Not observed at significant frequency in large population cohorts (gnomAD); Has not been previously published as pathogenic or benign to our knowledge